The following is an entry in ClinVar:

ClinVar aggregate classification (germline): Uncertain significance (1 of 4 stars; one submission).

Conditions:
Osteogenesis imperfecta type I (OI1). Also called: OI, TYPE I; OSTEOGENESIS IMPERFECTA TARDA; OSTEOGENESIS IMPERFECTA WITH BLUE SCLERAE; Osteogenesis imperfecta type 1; Lobstein disease; Classic Non-deforming Osteogenesis Imperfecta with Blue Sclerae. Identifiers: Orphanet 216796, Orphanet 666, MedGen C0023931, MONDO:0008146, OMIM 166200. Disease mechanism: loss of function.

Submission:

Labcorp Genetics (formerly Invitae), Labcorp
Classification: Uncertain significance for Osteogenesis imperfecta type I. Last evaluated: 2022-10-29. Review status: criteria provided, single submitter. Criteria: Invitae Variant Classification Sherloc (09022015). Collection method: clinical testing. Allele origin: germline.
Comment: In summary, the available evidence is currently insufficient to determine the role of this variant in disease. Therefore, it has been classified as a Variant of Uncertain Significance. Variants that disrupt the consensus splice site are a relatively common cause of aberrant splicing (PMID: 17576681, 9536098). Algorithms developed to predict the effect of sequence changes on RNA splicing suggest that this variant may disrupt the consensus splice site. ClinVar contains an entry for this variant (Variation ID: 665937). This variant has been observed in individuals with clinical features of osteogenesis imperfecta (Invitae). This variant is not present in population databases (gnomAD no frequency). This sequence change falls in intron 44 of the COL1A1 gene. It does not directly change the encoded amino acid sequence of the COL1A1 protein. It affects a nucleotide within the consensus splice site.

Literature cited by the submitters: PubMed 17576681; PubMed 9536098.

NM_000088.4(COL1A1):c.3261+2dup

Gene: COL1A1 (collagen type I alpha 1 chain; minus strand). Cytogenetic location: 17q21.33.
Variant type: Duplication.
Coding change: c.3261+2dup on transcript NM_000088.4 (MANE Select); the canonical splice donor site of the intron after coding-DNA position 3261, one base duplicated (T; older notation c.3261+2dupT).
Molecular consequence: splice donor variant.
Genome position (GRCh38, 1-based): chr17:50,188,094, A duplicated on the plus strand (T on the coding strand, the reverse complement: COL1A1 is on the minus strand). VCF-style (leftmost placement, unchanged base first): chr17-50188093-T-TA. GRCh37 (hg19) VCF-style: chr17-48265454-T-TA.
Identifiers: ClinVar variation 665937 (VCV000665937.9), dbSNP rs1598287275, ClinGen allele CA915950596.